The following is an entry in ClinVar:

NM_001267550.2(TTN):c.90085del (p.Glu30029fs)

Genes: TTN (titin; minus strand), TTN-AS1 (TTN antisense RNA 1; plus strand). Cytogenetic location: 2q31.2.
Variant type: Deletion.
Coding change: c.90085del on transcript NM_001267550.2 (MANE Select); coding-DNA position 90085, one base deleted (G; older notation c.90085delG).
Protein change: p.Glu30029fs; shifts the reading frame from glutamic acid 30029.
Molecular consequence: frameshift variant.
Genome position (GRCh38, 1-based): chr2:178,552,815, C deleted on the plus strand (G on the coding strand, the reverse complement: TTN is on the minus strand). VCF-style (leftmost placement, unchanged base first): chr2-178552814-TC-T. GRCh37 (hg19) VCF-style: chr2-179417541-TC-T.
Other names: c.85162del, p.Glu28388fs (NM_001256850.1); c.62890del, p.Glu20964fs (NM_003319.4); c.82381del, p.Glu27461fs (NM_133378.4); c.63265del, p.Glu21089fs (NM_133432.3); c.63466del, p.Glu21156fs (NM_133437.4); c.62890delG (NM_003319.4); short protein forms E27461fs, E21089fs, E28388fs, E30029fs, E21156fs, E20964fs.
Identifiers: ClinVar variation 1752632 (VCV001752632.4), dbSNP rs2469304171, ClinGen allele CA2573332732.

ClinVar aggregate classification (germline): Pathogenic/Likely pathogenic. Review status: criteria provided, multiple submitters, no conflicts (2 of 4 stars). 2 submissions from 2 submitters: Pathogenic (1); Likely pathogenic (1). Last evaluated 2026-03-30.

Conditions:
Cardiovascular phenotype. Identifiers: MedGen CN230736.
Dilated cardiomyopathy 1G (CMD1G). Identifiers: Orphanet 154, MedGen C1858763, MONDO:0011400, OMIM 604145.

Submissions (2):

Victorian Clinical Genetics Services, Murdoch Childrens Research Institute
Classification: Likely pathogenic for Dilated cardiomyopathy 1G. Last evaluated: 2026-03-30. Review status: criteria provided, single submitter. Criteria: ACMG Guidelines, 2015. Collection method: clinical testing. Allele origin: germline. Affected: yes.
Comment: This variant is classified as Likely pathogenic. Evidence in support of pathogenic classification: Variant is predicted to cause nonsense-mediated decay (NMD) and loss of protein (premature termination codon is located at least 54 nucleotides upstream of the final exon-exon junction); Variant is absent from gnomAD (v2, v3 and v4); This variant has limited previous evidence of pathogenicity in unrelated individuals. This variant has been reported in one large Australian family with a history of dilated cardiomyopathy (DCM; PMID: 16733766). Additionally, it has been classified as pathogenic by a clinical laboratory in ClinVar; This variant has strong evidence for segregation with disease. This variant has been demonstrated to segregate in at least ten family members with DCM (PMID: 16733766); Other NMD-predicted variant(s) comparable to the one identified in this case have strong previous evidence for pathogenicity (ClinVar). Additional information: This gene is associated with both recessive and dominant disease (OMIM); Variant is located in the annotated A-band and the exon has a PSI score of 100% (PMID: 25589632); Loss of function is known mechanism of disease in this gene. In addition, dominant negative is also a suggested mechanism (PMID: 25589632); The condition associated with this gene has incomplete penetrance. Variants in this gene that result in a premature truncating codon (PTC) are known to have reduced penetrance in DCM (PMID: 25589632).

Ambry Genetics
Classification: Pathogenic for Cardiovascular phenotype. Last evaluated: 2022-08-08. Review status: criteria provided, single submitter. Criteria: Ambry Variant Classification Scheme 2023. Collection method: clinical testing. Allele origin: germline.
Comment: The c.62890delG pathogenic mutation, located in coding exon 162 of the TTN gene, results from a deletion of one nucleotide at nucleotide position 62890, causing a translational frameshift with a predicted alternate stop codon (p.E20964Kfs*11). This exon is located in the A-band region of the N2-B isoform of the titin protein and is constitutively expressed in TTN transcripts (percent spliced in or PSI 100%). This variant was reported to segregate with dilated cardiomyopathy in several members of a large Australian family, and exhibited reduced penetrance and variable expressivity (Gerull B et al. J Mol Med (Berl), 2006 Jun;84:478-83). This variant is considered to be rare based on population cohorts in the Genome Aggregation Database (gnomAD). This alteration is expected to result in loss of function by premature protein truncation or nonsense-mediated mRNA decay. While truncating variants in TTN are present in 1-3% of the general population, truncating variants in the A-band are the most common cause of dilated cardiomyopathy (DCM) (Herman DS et al. N. Engl. J. Med., 2012 Feb;366:619-28; Roberts AM et al. Sci Transl Med, 2015 Jan;7:270ra6). TTN truncating variants encoded in constitutive exons (PSI >90%) have been found to be significantly associated with DCM regardless of their position in titin (Schafer S et al. Nat. Genet., 2017 01;49:46-53). Based on the supporting evidence, this alteration is interpreted as a disease-causing mutation.

Literature cited by the submitters: PubMed 25589632 (cited by Victorian Clinical Genetics Services, Murdoch Childrens Research Institute); PubMed 16733766 (cited by Victorian Clinical Genetics Services, Murdoch Childrens Research Institute and Ambry Genetics); PubMed 27886618 (cited by Ambry Genetics).